The following is an entry in ClinVar:

ClinVar aggregate classification (germline): Uncertain significance (1 of 4 stars; one submission).

Conditions:
Familial acute necrotizing encephalopathy (IIAE3). Also called: ENCEPHALOPATHY, ACUTE, INFECTION-INDUCED, SUSCEPTIBILITY TO, 3; Susceptibility to Acute Necrotizing Encephalopathy 1. Identifiers: Orphanet 88619, MedGen C2675556, MONDO:0011953, OMIM 608033.

Allele frequency attached by ClinVar (database versions not stated): gnomAD 0.00001; gnomAD exomes 0.00001; TOPMed 0.00001.
gnomAD v4.1: 5 of 1,611,706 alleles (0.00031%); highest among the groups gnomAD compares: Admixed American, 0.0067%; no homozygotes.

Submission:

Labcorp Genetics (formerly Invitae), Labcorp
Classification: Uncertain significance for Familial acute necrotizing encephalopathy. Last evaluated: 2023-11-28. Review status: criteria provided, single submitter. Criteria: Invitae Variant Classification Sherloc (09022015). Collection method: clinical testing. Allele origin: germline.
Comment: This sequence change replaces proline, which is neutral and non-polar, with alanine, which is neutral and non-polar, at codon 782 of the RANBP2 protein (p.Pro782Ala). This variant is present in population databases (no rsID available, gnomAD 0.006%). This variant has not been reported in the literature in individuals affected with RANBP2-related conditions. ClinVar contains an entry for this variant (Variation ID: 1007060). An algorithm developed to predict the effect of missense changes on protein structure and function (PolyPhen-2) suggests that this variant is likely to be tolerated. In summary, the available evidence is currently insufficient to determine the role of this variant in disease. Therefore, it has been classified as a Variant of Uncertain Significance.

NM_006267.5(RANBP2):c.2344C>G (p.Pro782Ala)

Gene: RANBP2 (RAN binding protein 2; plus strand). Cytogenetic location: 2q13.
Variant type: single nucleotide variant.
Coding change: c.2344C>G on transcript NM_006267.5 (MANE Select); coding-DNA position 2344, C replaced by G.
Protein change: p.Pro782Ala; replaces proline 782 with alanine.
Molecular consequence: missense variant.
Genome position (GRCh38, 1-based): chr2:108,755,046, C>G. VCF-style: chr2-108755046-C-G. GRCh37 (hg19) VCF-style: chr2-109371502-C-G.
Other names: short protein forms P782A.
Identifiers: ClinVar variation 1007060 (VCV001007060.7), dbSNP rs1220477512, ClinGen allele CA348056002.